The following is an entry in ClinVar:

NM_177438.3(DICER1):c.1023C>T (p.His341=)

Gene: DICER1 (dicer 1, ribonuclease III; minus strand). Cytogenetic location: 14q32.13.
Variant type: single nucleotide variant.
Coding change: c.1023C>T on transcript NM_177438.3 (MANE Select); coding-DNA position 1023, C replaced by T.
Protein change: p.His341=; no amino-acid change (histidine 341 retained).
Molecular consequence: synonymous variant.
Genome position (GRCh38, 1-based): chr14:95,124,549, G>A on the plus strand (C>T on the coding strand, the complement: DICER1 is on the minus strand). VCF-style: chr14-95124549-G-A. GRCh37 (hg19) VCF-style: chr14-95590886-G-A.
Other names: c.1023C>T, p.His341= (NM_001195573.1, NM_001271282.3, NM_001291628.2 and 1 more transcripts).
Identifiers: ClinVar variation 417052 (VCV000417052.19), dbSNP rs766461716, ClinGen allele CA7331533.

ClinVar aggregate classification (germline): Benign/Likely benign. Review status: criteria provided, multiple submitters, no conflicts (2 of 4 stars). 4 submissions from 4 submitters: Benign (1); Likely benign (3). Last evaluated 2026-04-15.

Conditions:
DICER1-related tumor predisposition. Also called: DICER1-related pleuropulmonary blastoma cancer predisposition syndrome; DICER1 syndrome. Identifiers: Orphanet 284343, MedGen C3839822, MONDO:0100216.
Hereditary cancer-predisposing syndrome. Also called: Hereditary Cancer Syndrome; Neoplastic Syndromes, Hereditary; Hereditary neoplastic syndrome; Tumor predisposition. Identifiers: Orphanet 140162, MedGen C0027672, MeSH D009386, MONDO:0015356.

Allele frequency attached by ClinVar (database versions not stated): TOPMed 0.00001; gnomAD exomes below 0.00001; ExAC 0.00001.
gnomAD v4.1: 5 of 1,613,832 alleles (0.00031%); highest among the groups gnomAD compares: Non-Finnish European, 0.00042%; no homozygotes.

Submissions (4):

Myriad Genetics, Inc.
Classification: Benign for DICER1-related tumor predisposition. Last evaluated: 2026-04-15. Review status: criteria provided, single submitter. Criteria: Myriad Autosomal Dominant, Autosomal Recessive and X-Linked Classification Criteria (2023). Collection method: clinical testing. Allele origin: unknown.
Comment: This variant is considered benign. This variant is a silent/synonymous amino acid change and it is not expected to impact splicing.

Center for Genomic Medicine, Rigshospitalet, Copenhagen University Hospital
Classification: Likely benign. Last evaluated: 2025-12-29. Review status: criteria provided, single submitter. Criteria: ACMG Guidelines, 2015. Collection method: clinical testing. Allele origin: germline.

Labcorp Genetics (formerly Invitae), Labcorp
Classification: Likely benign for DICER1-related tumor predisposition. Last evaluated: 2025-09-27. Review status: criteria provided, single submitter. Criteria: Invitae Variant Classification Sherloc (09022015). Collection method: clinical testing. Allele origin: germline.

Ambry Genetics
Classification: Likely benign for Hereditary cancer-predisposing syndrome. Last evaluated: 2017-03-21. Review status: criteria provided, single submitter. Criteria: Ambry Variant Classification Scheme 2023. Collection method: clinical testing. Allele origin: germline.